The following is an entry in ClinVar:

ClinVar aggregate classification (germline): Uncertain significance. Review status: criteria provided, single submitter (1 of 4 stars). 2 submissions from 2 submitters: Uncertain significance (1). 1 of the submissions does not count toward it. Last evaluated 2022-08-09.

Conditions:
Sandhoff disease. Also called: GM2-GANGLIOSIDOSIS, TYPE II; HEXOSAMINIDASES A AND B DEFICIENCY; Beta-hexosaminidase-beta-subunit deficiency; GM2 gangliosidosis, type 2; Total hexosaminidase deficiency; Sandhoff-Jatzkewitz-Pilz disease. Identifiers: Orphanet 796, MedGen C0036161, MONDO:0010006, OMIM 268800.
HEXB-related disorder. Also called: HEXB-related condition.

Allele frequency attached by ClinVar (database versions not stated): gnomAD exomes below 0.00001; TOPMed 0.00002.
gnomAD v4.1: 5 of 1,603,250 alleles (0.00031%); highest among the groups gnomAD compares: Non-Finnish European, 0.00034%; no homozygotes.

Submissions (2):

Labcorp Genetics (formerly Invitae), Labcorp
Classification: Uncertain significance for Sandhoff disease. Last evaluated: 2022-08-09. Review status: criteria provided, single submitter. Criteria: Invitae Variant Classification Sherloc (09022015). Collection method: clinical testing. Allele origin: germline.
Comment: This sequence change falls in intron 12 of the HEXB gene. It does not directly change the encoded amino acid sequence of the HEXB protein. It affects a nucleotide within the consensus splice site. This variant is not present in population databases (gnomAD no frequency). This variant has not been reported in the literature in individuals affected with HEXB-related conditions. Variants that disrupt the consensus splice site are a relatively common cause of aberrant splicing (PMID: 17576681, 9536098). Algorithms developed to predict the effect of sequence changes on RNA splicing suggest that this variant is not likely to affect RNA splicing. In summary, the available evidence is currently insufficient to determine the role of this variant in disease. Therefore, it has been classified as a Variant of Uncertain Significance.

PreventionGenetics, part of Exact Sciences
Classification: Likely benign for HEXB-related condition. Last evaluated: 2021-03-10. Review status: no assertion criteria provided. Collection method: clinical testing. Allele origin: germline. Not counted in ClinVar's aggregate classification.
Comment: This variant is classified as likely benign based on ACMG/AMP sequence variant interpretation guidelines (Richards et al. 2015 PMID: 25741868, with internal and published modifications).

Literature cited by the submitters: PubMed 17576681 (cited by Labcorp Genetics (formerly Invitae), Labcorp); PubMed 9536098 (cited by Labcorp Genetics (formerly Invitae), Labcorp).

NM_000521.4(HEXB):c.1508+6G>C

Gene: HEXB (hexosaminidase subunit beta; plus strand). Cytogenetic location: 5q13.3.
Variant type: single nucleotide variant.
Coding change: c.1508+6G>C on transcript NM_000521.4 (MANE Select); 6 bases into the intron after coding-DNA position 1508, G replaced by C.
Molecular consequence: intron variant.
Genome position (GRCh38, 1-based): chr5:74,720,524, G>C. VCF-style: chr5-74720524-G-C. GRCh37 (hg19) VCF-style: chr5-74016349-G-C.
Other names: c.833+6G>C (NM_001292004.2); c.1508+6G>C (NM_000521.3).
Identifiers: ClinVar variation 2156035 (VCV002156035.3), dbSNP rs935320840, ClinGen allele CA120908403.
Genomic context (GRCh38, chr5:74,720,524, plus strand): 5'-AAGCTTGTCTATGGGGAGAATATGTGGATGCAACTAACCTCACTCCAAGATTATGGTATG[G>C]GATTTACCTGATAACATTTAAGAATTAAGGTGCCTTAGCTTTCCTTCTCTGTCTAAACAC-3'